The following is an entry in ClinVar:

NM_000057.4(BLM):c.4091G>C (p.Cys1364Ser)

Gene: BLM (BLM RecQ like helicase; plus strand). Cytogenetic location: 15q26.1.
Variant type: single nucleotide variant.
Coding change: c.4091G>C on transcript NM_000057.4 (MANE Select); coding-DNA position 4091, G replaced by C.
Protein change: p.Cys1364Ser; replaces cysteine 1364 with serine.
Molecular consequence: missense variant.
Genome position (GRCh38, 1-based): chr15:90,815,116, G>C. VCF-style: chr15-90815116-G-C. GRCh37 (hg19) VCF-style: chr15-91358346-G-C.
Other names: c.4091G>C, p.Cys1364Ser (NM_001287246.2); c.3698G>C, p.Cys1233Ser (NM_001287247.2); c.2966G>C, p.Cys989Ser (NM_001287248.2); short protein forms C1233S, C1364S, C989S.
Identifiers: ClinVar variation 1737752 (VCV001737752.2), dbSNP rs2505575050, ClinGen allele CA393852073.
Genomic context (GRCh38, chr15:90,815,116, plus strand): 5'-TTTGGTTTCATTTAACATTTTGATTTTTTTCTTTGTCACATTTCAGGGGGTCTGCCACAT[G>C]TAGAAAGATATCTTCCAAAACGAAATCCTCCAGCATCATTGGATCCAGTTCAGCCTCACA-3'
Protein context (NP_000048.1, residues 1354-1374): GSKAKGGSAT[Cys1364Ser]RKISSKTKSS

ClinVar aggregate classification (germline): Uncertain significance (1 of 4 stars; one submission).

Conditions:
Hereditary cancer-predisposing syndrome. Also called: Neoplastic Syndromes, Hereditary; Tumor predisposition; Hereditary Cancer Syndrome; Hereditary neoplastic syndrome. Identifiers: Orphanet 140162, MedGen C0027672, MeSH D009386, MONDO:0015356.

Submission:

Ambry Genetics
Classification: Uncertain significance for Hereditary cancer-predisposing syndrome. Last evaluated: 2019-10-17. Review status: criteria provided, single submitter. Criteria: Ambry Variant Classification Scheme 2023. Collection method: clinical testing. Allele origin: germline.
Comment: The p.C1364S variant (also known as c.4091G>C), located in coding exon 21 of the BLM gene, results from a G to C substitution at nucleotide position 4091. The cysteine at codon 1364 is replaced by serine, an amino acid with dissimilar properties. This amino acid position is poorly conserved in available vertebrate species. In addition, this alteration is predicted to be tolerated by in silico analysis. Since supporting evidence is limited at this time, the clinical significance of this alteration remains unclear.